The following is an entry in ClinVar:

ClinVar aggregate classification (germline): Conflicting classifications of pathogenicity. Review status: criteria provided, conflicting classifications (1 of 4 stars). 3 submissions from 3 submitters: Likely pathogenic (1); Uncertain significance (2). Last evaluated 2025-10-12.

Conditions:
Familial hemiplegic migraine. Identifiers: MedGen C0338484, MONDO:0000700.

Allele frequency attached by ClinVar (database versions not stated): gnomAD 0.00001; gnomAD exomes 0.00001; ExAC 0.00002.
gnomAD v4.1: 10 of 1,614,018 alleles (0.00062%); highest among the groups gnomAD compares: East Asian, 0.0022%; no homozygotes.

Submissions (3):

Labcorp Genetics (formerly Invitae), Labcorp
Classification: Likely pathogenic for Familial hemiplegic migraine. Last evaluated: 2025-10-12. Review status: criteria provided, single submitter. Criteria: Invitae Variant Classification Sherloc (09022015). Collection method: clinical testing. Allele origin: germline.
Comment: This sequence change replaces arginine, which is basic and polar, with cysteine, which is neutral and slightly polar, at codon 348 of the ATP1A2 protein (p.Arg348Cys). This variant is present in population databases (rs765818392, gnomAD 0.003%). This missense change has been observed in individual(s) with West syndrome (internal data). ClinVar contains an entry for this variant (Variation ID: 1068179). Invitae Evidence Modeling of protein sequence and biophysical properties (such as structural, functional, and spatial information, amino acid conservation, physicochemical variation, residue mobility, and thermodynamic stability) indicates that this missense variant is expected to disrupt ATP1A2 protein function with a positive predictive value of 80%. This variant disrupts the p.Arg348 amino acid residue in ATP1A2. Other variant(s) that disrupt this residue have been determined to be pathogenic (PMID: 27226003). This suggests that this residue is clinically significant, and that variants that disrupt this residue are likely to be disease-causing. In summary, the currently available evidence indicates that the variant is pathogenic, but additional data are needed to prove that conclusively. Therefore, this variant has been classified as Likely Pathogenic.

Greenwood Genetic Center Diagnostic Laboratories, Greenwood Genetic Center
Classification: Uncertain significance. Last evaluated: 2024-11-13. Review status: criteria provided, single submitter. Criteria: ACMG Guidelines, 2015. Collection method: clinical testing. Allele origin: germline. Affected: yes.
Comment: PM2, PP2, PP3

GeneDx
Classification: Uncertain significance. Last evaluated: 2019-04-15. Review status: criteria provided, single submitter. Criteria: GeneDx Variant Classification Process June 2021. Collection method: clinical testing. Allele origin: germline. Affected: yes.
Comment: Not observed at a significant frequency in large population cohorts (Lek et al., 2016); Has not been previously published as pathogenic or benign to our knowledge

Literature cited by the submitters: PubMed 27226003 (cited by Labcorp Genetics (formerly Invitae), Labcorp).

NM_000702.4(ATP1A2):c.1042C>T (p.Arg348Cys)

Gene: ATP1A2 (ATPase Na+/K+ transporting subunit alpha 2; plus strand). Cytogenetic location: 1q23.2.
Variant type: single nucleotide variant.
Coding change: c.1042C>T on transcript NM_000702.4 (MANE Select); coding-DNA position 1042, C replaced by T.
Protein change: p.Arg348Cys; replaces arginine 348 with cysteine.
Molecular consequence: missense variant.
Genome position (GRCh38, 1-based): chr1:160,128,676, C>T. VCF-style: chr1-160128676-C-T. GRCh37 (hg19) VCF-style: chr1-160098466-C-T.
Other names: short protein forms R348C.
Identifiers: ClinVar variation 1068179 (VCV001068179.11), dbSNP rs765818392, ClinGen allele CA1194365.